The following is an entry in ClinVar:

ClinVar aggregate classification (germline): Benign/Likely benign. Review status: criteria provided, multiple submitters, no conflicts (2 of 4 stars). 4 submissions from 4 submitters: Benign (2); Likely benign (1). 1 of the submissions does not count toward it. Last evaluated 2024-11-05.

Conditions:
MCM6-related disorder. Also called: MCM6-related condition.

Allele frequency attached by ClinVar (database versions not stated): ESP Exome Variant Server 0.00190; 1000 Genomes Project 0.00200; ExAC 0.00250; 1000 Genomes Project 30x 0.00281; gnomAD exomes 0.00294 and 0.00314; gnomAD 0.00307 and 0.00322; TOPMed 0.00415.
gnomAD v4.1: 5,047 of 1,606,412 alleles (0.31%); highest among the groups gnomAD compares: Admixed American, 0.9%; 12 homozygotes.

Submissions (4):

Blueprint Genetics
Classification: Likely benign. Last evaluated: 2024-11-05. Review status: criteria provided, single submitter. Criteria: ACMG Guidelines, 2015. Collection method: clinical testing. Allele origin: germline.

Labcorp Genetics (formerly Invitae), Labcorp
Classification: Benign. Last evaluated: 2018-02-27. Review status: criteria provided, single submitter. Criteria: Invitae Variant Classification Sherloc (09022015). Collection method: clinical testing. Allele origin: germline.

Breakthrough Genomics
Classification: Benign. Review status: criteria provided, single submitter. Criteria: ACMG Guidelines, 2015. Collection method: not provided. Allele origin: germline. Inheritance: Autosomal dominant inheritance. Affected: yes.

PreventionGenetics, part of Exact Sciences
Classification: Likely benign for MCM6-related condition. Last evaluated: 2024-01-19. Review status: no assertion criteria provided. Collection method: clinical testing. Allele origin: germline. Not counted in ClinVar's aggregate classification.
Comment: This variant is classified as likely benign based on ACMG/AMP sequence variant interpretation guidelines (Richards et al. 2015 PMID: 25741868, with internal and published modifications).

NM_005915.6(MCM6):c.9C>T (p.Leu3=)

Gene: MCM6 (minichromosome maintenance complex component 6; minus strand). Cytogenetic location: 2q21.3.
Variant type: single nucleotide variant.
Coding change: c.9C>T on transcript NM_005915.6 (MANE Select); coding-DNA position 9, C replaced by T.
Protein change: p.Leu3=; no amino-acid change (leucine 3 retained).
Molecular consequence: synonymous variant.
Genome position (GRCh38, 1-based): chr2:135,876,357, G>A on the plus strand (C>T on the coding strand, the complement: MCM6 is on the minus strand). VCF-style: chr2-135876357-G-A. GRCh37 (hg19) VCF-style: chr2-136633927-G-A.
Identifiers: ClinVar variation 712505 (VCV000712505.7), dbSNP rs201537325, ClinGen allele CA1889404.